The following is an entry in ClinVar:

ClinVar aggregate classification (germline): Uncertain significance (1 of 4 stars; one submission).

Conditions:
Maple syrup urine disease (MSUD). Identifiers: Orphanet 511, MedGen C0024776, MeSH D008375, MONDO:0009563. Disease mechanism: loss of function.

Submission:

Labcorp Genetics (formerly Invitae), Labcorp
Classification: Uncertain significance for Maple syrup urine disease. Last evaluated: 2022-05-25. Review status: criteria provided, single submitter. Criteria: Invitae Variant Classification Sherloc (09022015). Collection method: clinical testing. Allele origin: germline.
Comment: A copy number gain of the genomic region encompassing the full coding sequence of the DBT gene has been identified. The boundaries of this event are unknown as they extend beyond the assayed region for this gene and therefore may encompass additional genes. As the precise location of this event is unknown, it may be in tandem or it may be located elsewhere in the genome. This variant has not been reported in the literature in individuals affected with DBT-related conditions. In summary, the available evidence is currently insufficient to determine the role of this variant in disease. Therefore, it has been classified as a Variant of Uncertain Significance.

NC_000001.10:g.(?_100316599)_(101709564_?)dup

Genes: AGL (amylo-alpha-1,6-glucosidase and 4-alpha-glucanotransferase; plus strand), CDC14A (cell division cycle 14A; plus strand), DBT (dihydrolipoamide branched chain transacylase E2; minus strand), DPH5 (diphthamide biosynthesis 5; minus strand), EXTL2 (exostosin like glycosyltransferase 2; minus strand) and 10 more. Cytogenetic location: 1p21.2.
Variant type: Duplication.
Identifiers: ClinVar variation 2424320 (VCV002424320.3).